The following is an entry in ClinVar:

ClinVar aggregate classification (germline): Benign. Review status: criteria provided, single submitter (1 of 4 stars). 2 submissions from 2 submitters: Benign (1). 1 of the submissions does not count toward it. Last evaluated 2026-01-21.

Conditions:
VAV1-related disorder. Also called: VAV1-related condition.

Allele frequency attached by ClinVar (database versions not stated): gnomAD 0.00276 and 0.00253; TOPMed 0.00281; ESP Exome Variant Server 0.00346; gnomAD exomes 0.00023 and 0.00055; ExAC 0.00060; 1000 Genomes Project 0.00220; 1000 Genomes Project 30x 0.00250.
gnomAD v4.1: 728 of 1,613,602 alleles (0.045%); highest among the groups gnomAD compares: African/African-American, 0.89%; 3 homozygotes.

Submissions (2):

Labcorp Genetics (formerly Invitae), Labcorp
Classification: Benign. Last evaluated: 2026-01-21. Review status: criteria provided, single submitter. Criteria: Invitae Variant Classification Sherloc (09022015). Collection method: clinical testing. Allele origin: germline.

PreventionGenetics, part of Exact Sciences
Classification: Benign for VAV1-related condition. Last evaluated: 2024-02-10. Review status: no assertion criteria provided. Collection method: clinical testing. Allele origin: germline. Not counted in ClinVar's aggregate classification.
Comment: This variant is classified as benign based on ACMG/AMP sequence variant interpretation guidelines (Richards et al. 2015 PMID: 25741868, with internal and published modifications).

NM_005428.4(VAV1):c.2217+8T>C

Gene: VAV1 (vav guanine nucleotide exchange factor 1; plus strand). Cytogenetic location: 19p13.3.
Variant type: single nucleotide variant.
Coding change: c.2217+8T>C on transcript NM_005428.4 (MANE Select); 8 bases into the intron after coding-DNA position 2217, T replaced by C.
Molecular consequence: intron variant.
Genome position (GRCh38, 1-based): chr19:6,850,765, T>C. VCF-style: chr19-6850765-T-C. GRCh37 (hg19) VCF-style: chr19-6850776-T-C.
Other names: c.2151+8T>C (NM_001258206.2); c.2121+8T>C (NM_001258207.2).
Identifiers: ClinVar variation 720933 (VCV000720933.11), dbSNP rs142402540, ClinGen allele CA9132895.